The following is an entry in ClinVar:

ClinVar aggregate classification (germline): Likely pathogenic (1 of 4 stars; one submission).

Conditions:
Autosomal recessive nonsyndromic hearing loss 7. Also called: DEAFNESS, AUTOSOMAL RECESSIVE 11. Identifiers: Orphanet 90636, MedGen C1832978, MONDO:0010967, OMIM 600974.

Submission:

Medical Molecular Genetics Department, National Research Center
Classification: Likely pathogenic for Autosomal recessive nonsyndromic hearing loss 7. Last evaluated: 2024-01-02. Review status: criteria provided, single submitter. Criteria: ACMG Guidelines, 2015. Collection method: clinical testing. Allele origin: germline. Affected: yes.
Comment: PVS1,PM2

NM_138691.3(TMC1):c.211_218del (p.Arg71fs)

Gene: TMC1 (transmembrane channel like 1; plus strand). Cytogenetic location: 9q21.13.
Variant type: Deletion.
Coding change: c.211_218del on transcript NM_138691.3 (MANE Select); coding-DNA positions 211 to 218, 8 bases deleted (AGGAGGAG; older notation c.211_218delAGGAGGAG).
Protein change: p.Arg71fs; shifts the reading frame from arginine 71.
Molecular consequence: frameshift variant.
Genome position (GRCh38, 1-based): chr9:72,694,689-72,694,696, AGGAGGAG deleted; deleting any 8 consecutive bases within chr9:72,694,686-72,694,696 gives the same sequence; the c. name uses the placement nearest the transcript's 3' end. VCF-style (leftmost placement, unchanged base first): chr9-72694685-AGAGAGGAG-A. GRCh37 (hg19) VCF-style: chr9-75309601-AGAGAGGAG-A.
Other names: c.209_216del (NM_138691.3); short protein forms R71fs.
Identifiers: ClinVar variation 3335921 (VCV003335921.2).
Genomic context (GRCh38, chr9:72,694,685, plus strand): 5'-CAATGAGGATGACCCAGAACCTGAACCAGAGGATGAAGAAACAAGGAAGGCAAGAGAAAA[AGAGAGGAG>A]GAGGAGGCTAAAGAGAGGAGCGTAAGTTAGTTCTGATATTCTTTCAAAAGTTCCAATGCT-3'